The following is an entry in ClinVar:

ClinVar aggregate classification (germline): Likely benign. Review status: criteria provided, single submitter (1 of 4 stars). 2 submissions from 2 submitters: Likely benign (1). 1 of the submissions does not count toward it. Last evaluated 2024-06-24.

Conditions:
SCAPER-related disorder. Also called: SCAPER-related condition.

gnomAD v4.1: 138 of 1,611,094 alleles (0.0086%); highest among the groups gnomAD compares: Admixed American, 0.032%; no homozygotes.

Submissions (2):

Blueprint Genetics
Classification: Likely benign. Last evaluated: 2024-06-24. Review status: criteria provided, single submitter. Criteria: ACMG Guidelines, 2015. Collection method: clinical testing. Allele origin: germline.

PreventionGenetics, part of Exact Sciences
Classification: Likely benign for SCAPER-related condition. Last evaluated: 2024-08-13. Review status: no assertion criteria provided. Collection method: clinical testing. Allele origin: germline. Not counted in ClinVar's aggregate classification.
Comment: This variant is classified as likely benign based on ACMG/AMP sequence variant interpretation guidelines (Richards et al. 2015 PMID: 25741868, with internal and published modifications).

NM_020843.4(SCAPER):c.1726-4G>A

Gene: SCAPER (S-phase cyclin A associated protein in the ER; minus strand). Cytogenetic location: 15q24.3.
Variant type: single nucleotide variant.
Coding change: c.1726-4G>A on transcript NM_020843.4 (MANE Select); 4 bases into the intron before coding-DNA position 1726, G replaced by A.
Molecular consequence: intron variant.
Genome position (GRCh38, 1-based): chr15:76,753,952, C>T on the plus strand (G>A on the coding strand, the complement: SCAPER is on the minus strand). VCF-style: chr15-76753952-C-T. GRCh37 (hg19) VCF-style: chr15-77046293-C-T.
Other names: c.1324-4G>A (NM_001353010.2, NM_001353012.2); c.988-4G>A (NM_001145923.2); c.1342-4G>A (NM_001353011.2); c.1744-4G>A (NM_001353009.2).
Identifiers: ClinVar variation 3350354 (VCV003350354.2).